The following is an entry in ClinVar:

NM_001145511.2(NFIA):c.3+4362C>T

Genes: NFIA (nuclear factor I A; plus strand), LOC122056894 (Sharpr-MPRA regulatory region 5981; plus strand). Cytogenetic location: 1p31.3.
Variant type: single nucleotide variant.
Coding change: c.3+4362C>T on transcript NM_001145511.2; 4362 bases into the intron after coding-DNA position 3, C replaced by T.
Molecular consequence: intron variant. On other transcripts: missense variant (1).
Genome position (GRCh38, 1-based): chr1:61,081,990, C>T. VCF-style: chr1-61081990-C-T. GRCh37 (hg19) VCF-style: chr1-61547662-C-T.
Other names: c.47C>T, p.Thr16Met (NM_001145512.2); short protein forms T16M.
Identifiers: ClinVar variation 2505589 (VCV002505589.1), dbSNP rs1175426296, ClinGen allele CA340585842.

ClinVar aggregate classification (germline): Uncertain significance (1 of 4 stars; one submission).

Submission:

GeneDx
Classification: Uncertain significance. Last evaluated: 2022-12-15. Review status: criteria provided, single submitter. Criteria: GeneDx Variant Classification Process June 2021. Collection method: clinical testing. Allele origin: germline. Affected: yes.
Comment: Not observed at significant frequency in large population cohorts (gnomAD); In silico analysis supports that this missense variant does not alter protein structure/function; Has not been previously published as pathogenic or benign to our knowledge; Reported using an alternate transcript of the gene